The following is an entry in ClinVar:

ClinVar aggregate classification (germline): Uncertain significance (1 of 4 stars; one submission).

Conditions:
Bethlem myopathy 1A. Also called: MYOPATHY, BENIGN CONGENITAL, WITH CONTRACTURES; Bethlem myopathy 1; Bethlem Muscular Dystrophy. Identifiers: Orphanet 610, MedGen CN029274, MONDO:0024530, OMIM 158810.

Submission:

Labcorp Genetics (formerly Invitae), Labcorp
Classification: Uncertain significance for Bethlem myopathy 1A. Last evaluated: 2023-05-31. Review status: criteria provided, single submitter. Criteria: Invitae Variant Classification Sherloc (09022015). Collection method: clinical testing. Allele origin: germline.
Comment: This variant is not present in population databases (gnomAD no frequency). This sequence change replaces aspartic acid, which is acidic and polar, with histidine, which is basic and polar, at codon 75 of the COL6A1 protein (p.Asp75His). This variant has not been reported in the literature in individuals affected with COL6A1-related conditions. In summary, the available evidence is currently insufficient to determine the role of this variant in disease. Therefore, it has been classified as a Variant of Uncertain Significance. Advanced modeling of protein sequence and biophysical properties (such as structural, functional, and spatial information, amino acid conservation, physicochemical variation, residue mobility, and thermodynamic stability) performed at Invitae indicates that this missense variant is not expected to disrupt COL6A1 protein function. ClinVar contains an entry for this variant (Variation ID: 2084454).

NM_001848.3(COL6A1):c.223G>C (p.Asp75His)

Gene: COL6A1 (collagen type VI alpha 1 chain; plus strand). Cytogenetic location: 21q22.3.
Variant type: single nucleotide variant.
Coding change: c.223G>C on transcript NM_001848.3 (MANE Select); coding-DNA position 223, G replaced by C.
Protein change: p.Asp75His; replaces aspartic acid 75 with histidine.
Molecular consequence: missense variant.
Genome position (GRCh38, 1-based): chr21:45,982,759, G>C. VCF-style: chr21-45982759-G-C. GRCh37 (hg19) VCF-style: chr21-47402673-G-C.
Other names: short protein forms D75H.
Identifiers: ClinVar variation 2084454 (VCV002084454.4), dbSNP rs367820870, ClinGen allele CA410514815.
Genomic context (GRCh38, chr21:45,982,759, plus strand): 5'-TACGGGGCCCTCGTGGACAAAGTCAAGTCCTTCACCAAGCGCTTCATCGACAACCTGAGG[G>C]ACAGGTAGGAGGGACGCCCCGTGACCTTCCTCCTGTGCTTCTGGGCCTCTTGGAGGGAGG-3'
Protein context (NP_001839.2, residues 65-85): FTKRFIDNLR[Asp75His]RYYRCDRNLV